The following is an entry in ClinVar:

NM_000548.5(TSC2):c.5286C>A (p.Asn1762Lys)

Gene: TSC2 (TSC complex subunit 2; plus strand). Cytogenetic location: 16p13.3.
Variant type: single nucleotide variant.
Coding change: c.5286C>A on transcript NM_000548.5 (MANE Select); coding-DNA position 5286, C replaced by A.
Protein change: p.Asn1762Lys; replaces asparagine 1762 with lysine.
Molecular consequence: missense variant.
Genome position (GRCh38, 1-based): chr16:2,088,472, C>A. VCF-style: chr16-2088472-C-A. GRCh37 (hg19) VCF-style: chr16-2138473-C-A.
Other names: c.5085C>A, p.Asn1695Lys (NM_001077183.3); c.5217C>A, p.Asn1739Lys (NM_001114382.3); c.4977C>A, p.Asn1659Lys (NM_001318827.2); c.4941C>A, p.Asn1647Lys (NM_001318829.2); c.4554C>A, p.Asn1518Lys (NM_001318831.2); c.5118C>A, p.Asn1706Lys (NM_001318832.2); c.5088C>A, p.Asn1696Lys (NM_001363528.2); c.5154C>A, p.Asn1718Lys (NM_001370404.1); and 2 more; short protein forms N1647K, N1715K, N1739K, N1762K, N1518K, N1659K, N1718K, N1695K.
Identifiers: ClinVar variation 945934 (VCV000945934.10), dbSNP rs757204634, ClinGen allele CA394315247.

ClinVar aggregate classification (germline): Uncertain significance. Review status: criteria provided, multiple submitters, no conflicts (2 of 4 stars). 2 submissions from 2 submitters: Uncertain significance (2). Last evaluated 2024-04-29.

Conditions:
Hereditary cancer-predisposing syndrome. Also called: Neoplastic Syndromes, Hereditary; Hereditary neoplastic syndrome; Hereditary Cancer Syndrome; Tumor predisposition. Identifiers: Orphanet 140162, MedGen C0027672, MeSH D009386, MONDO:0015356.
Tuberous sclerosis 2 (TSC2). Identifiers: Orphanet 805, MedGen C1860707, MONDO:0013199, OMIM 613254.

Submissions (2):

Ambry Genetics
Classification: Uncertain significance for Hereditary cancer-predisposing syndrome. Last evaluated: 2024-04-29. Review status: criteria provided, single submitter. Criteria: Ambry Variant Classification Scheme 2023. Collection method: clinical testing. Allele origin: germline.
Comment: The p.N1762K variant (also known as c.5286C>A), located in coding exon 41 of the TSC2 gene, results from a C to A substitution at nucleotide position 5286. The asparagine at codon 1762 is replaced by lysine, an amino acid with similar properties. This amino acid position is conserved. In addition, the in silico prediction for this alteration is inconclusive. Based on the available evidence, the clinical significance of this variant remains unclear.

Labcorp Genetics (formerly Invitae), Labcorp
Classification: Uncertain significance for Tuberous sclerosis 2. Last evaluated: 2022-08-09. Review status: criteria provided, single submitter. Criteria: Invitae Variant Classification Sherloc (09022015). Collection method: clinical testing. Allele origin: germline.
Comment: In summary, the available evidence is currently insufficient to determine the role of this variant in disease. Therefore, it has been classified as a Variant of Uncertain Significance. Advanced modeling of protein sequence and biophysical properties (such as structural, functional, and spatial information, amino acid conservation, physicochemical variation, residue mobility, and thermodynamic stability) performed at Invitae indicates that this missense variant is not expected to disrupt TSC2 protein function. ClinVar contains an entry for this variant (Variation ID: 945934). This variant has not been reported in the literature in individuals affected with TSC2-related conditions. This variant is not present in population databases (gnomAD no frequency). This sequence change replaces asparagine, which is neutral and polar, with lysine, which is basic and polar, at codon 1762 of the TSC2 protein (p.Asn1762Lys).